The following is an entry in ClinVar:

ClinVar aggregate classification (germline): Uncertain significance (1 of 4 stars; one submission).

Conditions:
Myopathy, proximal, and ophthalmoplegia (CMYO6). Also called: INCLUSION BODY MYOPATHY 3, AUTOSOMAL DOMINANT; CONGENITAL MYOPATHY 6 WITH OPHTHALMOPLEGIA; MYOPATHY WITH CONGENITAL JOINT CONTRACTURES, OPHTHALMOPLEGIA, AND RIMMED VACUOLES. Identifiers: Orphanet 363677, Orphanet 79091, MedGen C1854106, MONDO:0011577, OMIM 605637.

Submission:

Labcorp Genetics (formerly Invitae), Labcorp
Classification: Uncertain significance for Myopathy, proximal, and ophthalmoplegia. Last evaluated: 2022-06-27. Review status: criteria provided, single submitter. Criteria: Invitae Variant Classification Sherloc (09022015). Collection method: clinical testing. Allele origin: germline.
Comment: In summary, the available evidence is currently insufficient to determine the role of this variant in disease. Therefore, it has been classified as a Variant of Uncertain Significance. This variant, c.1649_1651dup, results in the insertion of 1 amino acid(s) of the MYH2 protein (p.Ser550dup), but otherwise preserves the integrity of the reading frame. This variant is not present in population databases (gnomAD no frequency). This variant has not been reported in the literature in individuals affected with MYH2-related conditions. Experimental studies and prediction algorithms are not available or were not evaluated, and the functional significance of this variant is currently unknown.

NM_017534.6(MYH2):c.1646CCT[3] (p.Ser550dup)

Genes: MYH2 (myosin heavy chain 2; minus strand), MYHAS (myosin heavy chain gene cluster antisense RNA; plus strand). Cytogenetic location: 17p13.1.
Variant type: Microsatellite.
Coding change: c.1646CCT[3] on transcript NM_017534.6 (MANE Select); three copies in a row of the 3-base unit CCT starting at c.1646; the reference has two copies in a row; one copy, 3 bases duplicated.
Protein change: p.Ser550dup; duplicates serine 550.
Molecular consequence: inframe insertion.
Genome position (GRCh38, 1-based): chr17:10,537,479-10,537,481, AGG duplicated on the plus strand (CCT on the coding strand, the reverse complement: MYH2 is on the minus strand); duplicating any 3 consecutive bases within chr17:10,537,479-10,537,484 gives the same sequence; the position shown is the placement nearest the transcript's 3' end. VCF-style (leftmost placement, unchanged base first): chr17-10537478-A-AAGG. GRCh37 (hg19) VCF-style: chr17-10440795-A-AAGG.
Other names: c.1646CCT[3], p.Ser550dup (NM_001100112.2).
Identifiers: ClinVar variation 1407675 (VCV001407675.8), dbSNP rs2073495820, ClinGen allele CA2247304826.